The following is an entry in ClinVar:

ClinVar aggregate classification (germline): Pathogenic (1 of 4 stars; one submission).

Submission:

Labcorp Genetics (formerly Invitae), Labcorp
Classification: Pathogenic. Last evaluated: 2022-10-05. Review status: criteria provided, single submitter. Criteria: Invitae Variant Classification Sherloc (09022015). Collection method: clinical testing. Allele origin: germline.
Comment: For these reasons, this variant has been classified as Pathogenic. The region of the RP2 gene that includes exon(s) 4 has been determined to be clinically significant (PMID: 9697692, 23372056). Therefore, deletions that encompass that region are likely to be disease-causing. This variant has not been reported in the literature in individuals affected with RP2-related conditions. This variant is a gross deletion of the genomic region encompassing exon(s) 4-5 of the RP2 gene, which includes the termination codon. This deletion extends beyond the assayed region for this gene and therefore may encompass additional genes. While this deletion is not anticipated to lead to nonsense mediated decay, it is expected to alter mRNA translation or result in a truncated protein product.

Literature cited by the submitters: PubMed 9697692; PubMed 23372056.

NC_000023.10:g.(?_46736920)_(46739204_?)del

Gene: RP2 (RP2 activator of ARL3 GTPase; plus strand). Cytogenetic location: Xp11.23.
Variant type: Deletion.
Identifiers: ClinVar variation 1457119 (VCV001457119.7).